The following is an entry in ClinVar:

NM_000138.5(FBN1):c.4121_4122delinsAG (p.Cys1374Ter)

Gene: FBN1 (fibrillin 1; minus strand). Cytogenetic location: 15q21.1.
Variant type: Indel.
Coding change: c.4121_4122delinsAG on transcript NM_000138.5 (MANE Select); coding-DNA positions 4121 to 4122, GC replaced by AG.
Protein change: p.Cys1374Ter; replaces cysteine 1374 with a stop codon.
Molecular consequence: nonsense.
Genome position (GRCh38, 1-based): chr15:48,474,343-48,474,344, GC replaced by CT on the plus strand (GC replaced by AG on the coding strand, the reverse complement: FBN1 is on the minus strand). VCF-style: chr15-48474343-GC-CT. GRCh37 (hg19) VCF-style: chr15-48766540-GC-CT.
Other names: c.4121_4122delinsAG, p.Cys1374Ter (NM_001406716.1); short protein forms C1374*.
Identifiers: ClinVar variation 4293284 (VCV004293284.1).

ClinVar aggregate classification (germline): Likely pathogenic (1 of 4 stars; one submission).

Conditions:
FBN1-related disorder. Also called: FBN1-related disorders.

Submission:

3billion
Classification: Likely pathogenic for FBN1-related disorder. Last evaluated: 2024-12-13. Review status: criteria provided, single submitter. Criteria: ACMG Guidelines, 2015. Collection method: clinical testing. Allele origin: germline. Affected: yes.
Comment: The variant is not observed in the gnomAD v4.1.0 dataset. Predicted Consequence/Location: Stop-gained (nonsense): predicted to result in a loss or disruption of normal protein function through nonsense-mediated decay (NMD) or protein truncation. Multiple pathogenic variants are reported downstream of the variant. Therefore, this variant is classified as Likely pathogenic according to the recommendation of ACMG/AMP guideline.